The following is an entry in ClinVar:

NM_015178.3(RHOBTB2):c.1772-8T>A

Gene: RHOBTB2 (Rho related BTB domain containing 2; plus strand). Cytogenetic location: 8p21.3.
Variant type: single nucleotide variant.
Coding change: c.1772-8T>A on transcript NM_015178.3 (MANE Select); 8 bases into the intron before coding-DNA position 1772, T replaced by A.
Molecular consequence: intron variant.
Genome position (GRCh38, 1-based): chr8:23,014,682, T>A. VCF-style: chr8-23014682-T-A. GRCh37 (hg19) VCF-style: chr8-22872195-T-A.
Other names: c.1838-8T>A (NM_001160036.2); c.1793-8T>A (NM_001160037.2); c.1772-8T>A (NM_001374791.1).
Identifiers: ClinVar variation 2704418 (VCV002704418.3), dbSNP rs772311139, ClinGen allele CA4672775.

ClinVar aggregate classification (germline): Uncertain significance (1 of 4 stars; one submission).

Allele frequency attached by ClinVar (database versions not stated): ExAC 0.00001.
gnomAD v4.1: 5 of 1,613,296 alleles (0.00031%); highest among the groups gnomAD compares: South Asian, 0.0055%; no homozygotes.

Submission:

Labcorp Genetics (formerly Invitae), Labcorp
Classification: Uncertain significance. Last evaluated: 2023-12-28. Review status: criteria provided, single submitter. Criteria: Invitae Variant Classification Sherloc (09022015). Collection method: clinical testing. Allele origin: germline.
Comment: This sequence change falls in intron 9 of the RHOBTB2 gene. It does not directly change the encoded amino acid sequence of the RHOBTB2 protein. This variant is present in population databases (rs772311139, gnomAD 0.003%). This variant has not been reported in the literature in individuals affected with RHOBTB2-related conditions. Algorithms developed to predict the effect of sequence changes on RNA splicing suggest that this variant may disrupt the consensus splice site. In summary, the available evidence is currently insufficient to determine the role of this variant in disease. Therefore, it has been classified as a Variant of Uncertain Significance.